The following is an entry in ClinVar:

NM_175723.2(SSX5):c.281-68A>G

Gene: SSX5 (SSX family member 5; minus strand). Cytogenetic location: Xp11.23.
Variant type: single nucleotide variant.
Coding change: c.281-68A>G on transcript NM_175723.2 (MANE Select); 68 bases into the intron before coding-DNA position 281, A replaced by G.
Molecular consequence: intron variant.
Genome position (GRCh38, 1-based): chrX:48,192,349, T>C on the plus strand (A>G on the coding strand, the complement: SSX5 is on the minus strand). VCF-style: chrX-48192349-T-C. GRCh37 (hg19) VCF-style: chrX-48051785-T-C.
Other names: c.404-68A>G (NM_021015.4).
Identifiers: ClinVar variation 2660443 (VCV002660443.24), dbSNP rs782237731, ClinGen allele CA10400913.
Genomic context (GRCh38, chrX:48,192,349, plus strand): 5'-AGAATACATCAGAATTTTTCTTTGTTGGTAAAGATTTCCAAACTCTAGAGAGACTTCAGT[T>C]GCATGAGGGCATTCTGCAGCAGAGGTTATGAGTCCACTGATTGTTGAGGAGTTATTTGAG-3'

ClinVar aggregate classification (germline): Likely benign (1 of 4 stars; one submission).

Allele frequency attached by ClinVar (database versions not stated): TOPMed 0.00010; gnomAD 0.00012; gnomAD exomes 0.00014; ExAC 0.00019.
gnomAD v4.1: 177 of 1,180,406 alleles (0.015%); highest among the groups gnomAD compares: Middle Eastern, 0.35%; 1 homozygote.

Submission:

CeGaT Center for Human Genetics Tuebingen
Classification: Likely benign. Last evaluated: 2022-12-01. Review status: criteria provided, single submitter. Criteria: CeGaT Center For Human Genetics Tuebingen Variant Classification Criteria Version 2. Collection method: clinical testing. Allele origin: germline. Affected: yes. Observed: 1 variant allele.
Comment: SSX5: BS2